The following is an entry in ClinVar:

NM_198253.3(TERT):c.2146G>A (p.Ala716Thr)

Gene: TERT (telomerase reverse transcriptase; minus strand). Cytogenetic location: 5p15.33.
Variant type: single nucleotide variant.
Coding change: c.2146G>A on transcript NM_198253.3 (MANE Select); coding-DNA position 2146, G replaced by A.
Protein change: p.Ala716Thr; replaces alanine 716 with threonine.
Molecular consequence: missense variant. On other transcripts: non-coding transcript variant (1).
Genome position (GRCh38, 1-based): chr5:1,278,781, C>T on the plus strand (G>A on the coding strand, the complement: TERT is on the minus strand). VCF-style: chr5-1278781-C-T. GRCh37 (hg19) VCF-style: chr5-1278896-C-T.
Other names: c.2146G>A, p.Ala716Thr (NM_001193376.3); short protein forms A716T.
Identifiers: ClinVar variation 36948 (VCV000036948.19), dbSNP rs387907249, ClinGen allele CA129984.

ClinVar aggregate classification (germline): Pathogenic/Likely pathogenic. Review status: criteria provided, multiple submitters, no conflicts (2 of 4 stars). 6 submissions from 6 submitters: Pathogenic (4); Likely pathogenic (1). 1 of the submissions does not count toward it. Last evaluated 2024-03-26.

Conditions:
Dyskeratosis congenita, autosomal dominant 2. Identifiers: MedGen C3151443, MONDO:0013521, OMIM 613989.
Idiopathic Pulmonary Fibrosis. Also called: Idiopathic fibrosing alveolitis, chronic form; idiopathic fibrosing alveolitis. Identifiers: Orphanet 2032, MedGen C1800706, MeSH D054990, MONDO:0800504.
Pulmonary fibrosis and/or bone marrow failure, Telomere-related, 1. Also called: PULMONARY FIBROSIS AND/OR BONE MARROW FAILURE SYNDROME, TELOMERE-RELATED, 1. Identifiers: Orphanet 88, MedGen C3553617, MONDO:0013878, OMIM 614742.

Allele frequency attached by ClinVar (database versions not stated): gnomAD exomes below 0.00001; TOPMed below 0.00001.
gnomAD v4.1: 1 of 1,614,104 alleles (0.000062%); highest among the groups gnomAD compares: Non-Finnish European, 0.000085%; no homozygotes.

Submissions (6):

Labcorp Genetics (formerly Invitae), Labcorp
Classification: Pathogenic for Dyskeratosis congenita, autosomal dominant 2; Idiopathic Pulmonary Fibrosis. Last evaluated: 2024-03-26. Review status: criteria provided, single submitter. Criteria: Invitae Variant Classification Sherloc (09022015). Collection method: clinical testing. Allele origin: germline.
Comment: This sequence change replaces alanine, which is neutral and non-polar, with threonine, which is neutral and polar, at codon 716 of the TERT protein (p.Ala716Thr). This variant is not present in population databases (gnomAD no frequency). This missense change has been observed in individual(s) with TERT-related conditions (PMID: 21436073, 30203795, 31268371). It has also been observed to segregate with disease in related individuals. ClinVar contains an entry for this variant (Variation ID: 36948). Advanced modeling of protein sequence and biophysical properties (such as structural, functional, and spatial information, amino acid conservation, physicochemical variation, residue mobility, and thermodynamic stability) performed at Invitae indicates that this missense variant is expected to disrupt TERT protein function with a positive predictive value of 95%. This variant disrupts the p.Ala716 amino acid residue in TERT. Other variant(s) that disrupt this residue have been determined to be pathogenic (PMID: 18931339, 21931702, 29146883; Invitae). This suggests that this residue is clinically significant, and that variants that disrupt this residue are likely to be disease-causing. For these reasons, this variant has been classified as Pathogenic.

3billion
Classification: Pathogenic for Pulmonary fibrosis and/or bone marrow failure, Telomere-related, 1. Last evaluated: 2023-12-08. Review status: criteria provided, single submitter. Criteria: ACMG Guidelines, 2015. Collection method: clinical testing. Allele origin: germline. Affected: yes.
Comment: The variant is not observed in the gnomAD v2.1.1 dataset. Predicted Consequence/Location: Missense changes are a common disease-causing mechanism. In silico tool predictions suggest damaging effect of the variant on gene or gene product [REVEL: 0.83 (>=0.6, sensitivity 0.68 and specificity 0.92); 3Cnet: 0.98 (>=0.6, sensitivity 0.72 and precision 0.9)]. Same nucleotide change resulting in same amino acid change (ClinVar ID: VCV000036948 / PMID: 21436073) and a different missense change at the same codon (p.Ala716Val / ClinVar ID: VCV000039109 /PMID: 18931339) have been previously reported as pathogenic/likely pathogenic with strong evidence. Therefore, this variant is classified as Pathogenic according to the recommendation of ACMG/AMP guideline.

Genetics and Molecular Pathology, SA Pathology
Classification: Likely pathogenic for Dyskeratosis congenita, autosomal dominant 2. Last evaluated: 2021-07-22. Review status: criteria provided, single submitter. Criteria: ACMG Guidelines, 2015. Collection method: clinical testing. Allele origin: germline. Affected: yes.

Institute of Human Genetics, University of Leipzig Medical Center
Classification: Pathogenic for Pulmonary fibrosis and/or bone marrow failure, Telomere-related, 1. Last evaluated: 2019-08-23. Review status: criteria provided, single submitter. Criteria: ACMG Guidelines, 2015. Collection method: clinical testing. Allele origin: germline. Affected: yes. Observed: 1 variant allele.

Genetic Services Laboratory, University of Chicago
Classification: Pathogenic for Pulmonary fibrosis and/or bone marrow failure, telomere-related, 1. Last evaluated: 2015-11-19. Review status: criteria provided, single submitter. Criteria: ACMG Guidelines, 2015. Collection method: clinical testing. Allele origin: germline. Affected: yes.

OMIM
Classification: Pathogenic for PULMONARY FIBROSIS AND/OR BONE MARROW FAILURE SYNDROME, TELOMERE-RELATED, 1. Last evaluated: 2011-05-26. Review status: no assertion criteria provided. Collection method: literature only. Allele origin: germline. Not counted in ClinVar's aggregate classification.

Literature cited by the submitters: PubMed 21436073 (cited by 3 submitters); PubMed 30203795 (cited by Labcorp Genetics (formerly Invitae), Labcorp); PubMed 31268371 (cited by Labcorp Genetics (formerly Invitae), Labcorp); PubMed 18931339 (cited by Labcorp Genetics (formerly Invitae), Labcorp and 3billion); PubMed 21931702 (cited by Labcorp Genetics (formerly Invitae), Labcorp); PubMed 29146883 (cited by Labcorp Genetics (formerly Invitae), Labcorp).